The following is an entry in ClinVar:

NM_002474.3(MYH11):c.872C>A (p.Ala291Asp)

Gene: MYH11 (myosin heavy chain 11; minus strand). Cytogenetic location: 16p13.11.
Variant type: single nucleotide variant.
Coding change: c.872C>A on transcript NM_002474.3 (MANE Select); coding-DNA position 872, C replaced by A.
Protein change: p.Ala291Asp; replaces alanine 291 with aspartic acid.
Molecular consequence: missense variant.
Genome position (GRCh38, 1-based): chr16:15,776,095, G>T on the plus strand (C>A on the coding strand, the complement: MYH11 is on the minus strand). VCF-style: chr16-15776095-G-T. GRCh37 (hg19) VCF-style: chr16-15869952-G-T.
Other names: c.872C>A, p.Ala291Asp (NM_022844.3); c.893C>A, p.Ala298Asp (NM_001040113.2, NM_001040114.2); short protein forms A291D, A298D.
Identifiers: ClinVar variation 4758459 (VCV004758459.1).
Genomic context (GRCh38, chr16:15,776,095, plus strand): 5'-AAGGCTCAAGCCATCCAATCACATGTCATTGCTAGTCACTTACTTCTCATCTTCTCCTTG[G>T]CTCCAGCAATCATGTAGTAAAAGATGTGGAATGTCCTCTCGTCTCTGGCTTGGCGAATTG-3'
Protein context (NP_002465.1, residues 281-301): FHIFYYMIAG[Ala291Asp]KEKMRSDLLL

ClinVar aggregate classification (germline): Uncertain significance (1 of 4 stars; one submission).

Conditions:
Familial thoracic aortic aneurysm and aortic dissection (TAAD). Also called: Thoracic aortic aneurysms and dissections. Identifiers: Orphanet 91387, MedGen C4707243, MONDO:0019625.

gnomAD v4.1: 2 of 1,612,906 alleles (0.00012%); highest among the groups gnomAD compares: Non-Finnish European, 0.00017%; no homozygotes.

Submission:

Color Diagnostics, LLC DBA Color Health
Classification: Uncertain significance for Familial thoracic aortic aneurysm and aortic dissection. Last evaluated: 2023-11-08. Review status: criteria provided, single submitter. Criteria: ACMG Guidelines, 2015. Collection method: clinical testing. Allele origin: germline.
Comment: This missense variant replaces alanine with aspartic acid at codon 298 of the MYH11 protein. Computational prediction suggests that this variant may have deleterious impact on protein structure and function. To our knowledge, functional studies have not been reported for this variant. This variant has not been reported in individuals affected with MYH11-related disorders in the literature. This variant has not been identified in the general population by the Genome Aggregation Database (gnomAD). The available evidence is insufficient to determine the role of this variant in disease conclusively. Therefore, this variant is classified as a Variant of Uncertain Significance.